The following is an entry in ClinVar:

ClinVar aggregate classification (germline): Uncertain significance (1 of 4 stars; one submission).

gnomAD v4.1: 2 of 1,596,938 alleles (0.00013%); highest among the groups gnomAD compares: African/African-American, 0.0027%; no homozygotes.

Submission:

Women's Health and Genetics/Laboratory Corporation of America, LabCorp
Classification: Uncertain significance. Last evaluated: 2025-07-08. Review status: criteria provided, single submitter. Criteria: LabCorp Variant Classification Summary - May 2015. Collection method: clinical testing. Allele origin: germline.
Comment: Variant summary: GALC c.1724G>A (p.Gly575Asp) results in a non-conservative amino acid change in the encoded protein sequence. Algorithms developed to predict the effect of missense changes on protein structure and function all suggest that this variant is likely to be disruptive. The variant was absent in 248722 control chromosomes. The available data on variant occurrences in the general population are insufficient to allow any conclusion about variant significance. c.1724G>A has been observed in individual(s) affected with Galactosylceramide beta-galactosidase deficiency (Orsini_2016) without evidence for causality. These report(s) do not provide unequivocal conclusions about association of the variant with Galactosylceramide beta-galactosidase deficiency. To our knowledge, no experimental evidence demonstrating an impact on protein function has been reported. The following publication have been ascertained in the context of this evaluation (PMID: 26795590). No submitters have cited clinical-significance assessments for this variant to ClinVar. Based on the evidence outlined above, the variant was classified as uncertain significance.

Literature cited by the submitters: PubMed 26795590.

NM_000153.4(GALC):c.1724G>A (p.Gly575Asp)

Gene: GALC (galactosylceramidase; minus strand). Cytogenetic location: 14q31.3.
Variant type: single nucleotide variant.
Coding change: c.1724G>A on transcript NM_000153.4 (MANE Select); coding-DNA position 1724, G replaced by A.
Protein change: p.Gly575Asp; replaces glycine 575 with aspartic acid.
Molecular consequence: missense variant. On other transcripts: non-coding transcript variant (1).
Genome position (GRCh38, 1-based): chr14:87,941,505, C>T on the plus strand (G>A on the coding strand, the complement: GALC is on the minus strand). VCF-style: chr14-87941505-C-T. GRCh37 (hg19) VCF-style: chr14-88407849-C-T.
Other names: c.1655G>A, p.Gly552Asp (NM_001201401.2); c.1646G>A, p.Gly549Asp (NM_001201402.2); c.1556G>A, p.Gly519Asp (NM_001424071.1, NM_001424072.1, NM_001424073.1); c.1376G>A, p.Gly459Asp (NM_001424074.1, NM_001424075.1); c.1091G>A, p.Gly364Asp (NM_001424076.1, NM_001424077.1); short protein forms G459D, G549D, G364D, G575D, G519D, G552D.
Identifiers: ClinVar variation 4526084 (VCV004526084.1).